The following is an entry in ClinVar:

NM_001142800.2(EYS):c.2374del (p.Ser792fs)

Gene: EYS (EGF-like photoreceptor maintenance factor; minus strand). Cytogenetic location: 6q12.
Variant type: Deletion.
Coding change: c.2374del on transcript NM_001142800.2 (MANE Select); coding-DNA position 2374, one base deleted (A; older notation c.2374delA).
Protein change: p.Ser792fs; shifts the reading frame from serine 792.
Molecular consequence: frameshift variant.
Genome position (GRCh38, 1-based): chr6:64,945,800, T deleted on the plus strand (A on the coding strand, the reverse complement: EYS is on the minus strand); the first of 4 consecutive T bases (chr6:64,945,800-64,945,803); deleting any one gives the same sequence. VCF-style (leftmost placement, unchanged base first): chr6-64945799-CT-C. GRCh37 (hg19) VCF-style: chr6-65655692-CT-C.
Other names: c.2374del, p.Ser792fs (NM_001292009.2); short protein forms S792fs.
Identifiers: ClinVar variation 1453739 (VCV001453739.6), dbSNP rs2150096054, ClinGen allele CA2573141033.

ClinVar aggregate classification (germline): Pathogenic (1 of 4 stars; one submission).

Submission:

Labcorp Genetics (formerly Invitae), Labcorp
Classification: Pathogenic. Last evaluated: 2021-06-02. Review status: criteria provided, single submitter. Criteria: Invitae Variant Classification Sherloc (09022015). Collection method: clinical testing. Allele origin: germline.
Comment: This sequence change creates a premature translational stop signal (p.Ser792Alafs*19) in the EYS gene. It is expected to result in an absent or disrupted protein product. Loss-of-function variants in EYS are known to be pathogenic (PMID: 18836446, 20333770). This variant is not present in population databases (ExAC no frequency). This variant has not been reported in the literature in individuals with EYS-related conditions. For these reasons, this variant has been classified as Pathogenic.

Literature cited by the submitters: PubMed 18836446; PubMed 20333770.